The following is an entry in ClinVar:

ClinVar aggregate classification (germline): Uncertain significance. Review status: criteria provided, multiple submitters, no conflicts (2 of 4 stars). 4 submissions from 4 submitters: Uncertain significance (3). 1 of the submissions does not count toward it. Last evaluated 2025-12-29.

Conditions:
PLCG2-related disorder. Also called: PLCG2-related condition.
Autoinflammation-PLCG2-associated antibody deficiency-immune dysregulation. Also called: Autoinflammation, antibody deficiency, and immune dysregulation, plcg2-associated; AUTOINFLAMMATION, ANTIBODY DEFICIENCY, AND IMMUNE DYSREGULATION; Autoinflammation, antibody deficiency, and immune dysregulation syndrome. Identifiers: Orphanet 324530, MedGen C3553961, MONDO:0013944, OMIM 614878.
Familial cold autoinflammatory syndrome 3 (FCAS3). Also called: FAMILIAL ATYPICAL COLD URTICARIA; ANTIBODY DEFICIENCY AND IMMUNE DYSREGULATION, PLCG2-ASSOCIATED. Identifiers: Orphanet 300359, MedGen C3280914, MONDO:0013766, OMIM 614468.

Allele frequency attached by ClinVar (database versions not stated): gnomAD 0.00001; gnomAD exomes 0.00001.
gnomAD v4.1: 13 of 1,613,938 alleles (0.00081%); highest among the groups gnomAD compares: East Asian, 0.0022%; no homozygotes.

Submissions (4):

Labcorp Genetics (formerly Invitae), Labcorp
Classification: Uncertain significance for Familial cold autoinflammatory syndrome 3. Last evaluated: 2025-12-29. Review status: criteria provided, single submitter. Criteria: Invitae Variant Classification Sherloc (09022015). Collection method: clinical testing. Allele origin: germline.
Comment: This sequence change replaces threonine, which is neutral and polar, with alanine, which is neutral and non-polar, at codon 102 of the PLCG2 protein (p.Thr102Ala). This variant is present in population databases (no rsID available, gnomAD 0.006%). This variant has not been reported in the literature in individuals affected with PLCG2-related conditions. ClinVar contains an entry for this variant (Variation ID: 827987). An algorithm developed to predict the effect of missense changes on protein structure and function (PolyPhen-2) suggests that this variant is likely to be tolerated. In summary, the available evidence is currently insufficient to determine the role of this variant in disease. Therefore, it has been classified as a Variant of Uncertain Significance.

Fulgent Genetics
Classification: Uncertain significance for Familial cold autoinflammatory syndrome 3; Autoinflammation-PLCG2-associated antibody deficiency-immune dysregulation. Last evaluated: 2021-12-08. Review status: criteria provided, single submitter. Criteria: ACMG Guidelines, 2015. Collection method: clinical testing. Allele origin: unknown.

Center for Genomics, Ann and Robert H. Lurie Children's Hospital of Chicago
Classification: Uncertain significance for Autoinflammation-PLCG2-associated antibody deficiency-immune dysregulation; Familial cold autoinflammatory syndrome 3. Review status: criteria provided, single submitter. Criteria: ACMG Guidelines, 2015. Collection method: clinical testing. Allele origin: germline.
Comment: PLCG2 NM_002661.4 exon 3 p.Thr102Ala (c.304A>G): This variant has not been reported in the literature but is present in 0.005% (1/17978) of East Asian alleles in the Genome Aggregation Database. Evolutionary conservation and computational predictive tools suggest that this variant may not impact the protein. In summary, data on this variant is insufficient for disease classification. Therefore, the clinical significance of this variant is uncertain.

PreventionGenetics, part of Exact Sciences
Classification: Uncertain significance for PLCG2-related condition. Last evaluated: 2024-04-18. Review status: no assertion criteria provided. Collection method: clinical testing. Allele origin: germline. Not counted in ClinVar's aggregate classification.
Comment: The PLCG2 c.304A>G variant is predicted to result in the amino acid substitution p.Thr102Ala. To our knowledge, this variant has not been reported in the literature. This variant is reported in 0.0056% of alleles in individuals of East Asian descent in gnomAD. At this time, the clinical significance of this variant is uncertain due to the absence of conclusive functional and genetic evidence.

NM_002661.5(PLCG2):c.304A>G (p.Thr102Ala)

Gene: PLCG2 (phospholipase C gamma 2; plus strand). Cytogenetic location: 16q23.3.
Variant type: single nucleotide variant.
Coding change: c.304A>G on transcript NM_002661.5 (MANE Select); coding-DNA position 304, A replaced by G.
Protein change: p.Thr102Ala; replaces threonine 102 with alanine.
Molecular consequence: missense variant.
Genome position (GRCh38, 1-based): chr16:81,854,554, A>G. VCF-style: chr16-81854554-A-G. GRCh37 (hg19) VCF-style: chr16-81888159-A-G.
Other names: c.304A>G (NM_002661.4); short protein forms T102A.
Identifiers: ClinVar variation 827987 (VCV000827987.12), dbSNP rs991965495, ClinGen allele CA285163745.